The following is an entry in ClinVar:

NM_003036.4(SKI):c.714C>G (p.Ser238Arg)

Gene: SKI (SKI proto-oncogene; plus strand). Cytogenetic location: 1p36.33.
Variant type: single nucleotide variant.
Coding change: c.714C>G on transcript NM_003036.4 (MANE Select); coding-DNA position 714, C replaced by G.
Protein change: p.Ser238Arg; replaces serine 238 with arginine.
Molecular consequence: missense variant.
Genome position (GRCh38, 1-based): chr1:2,229,480, C>G. VCF-style: chr1-2229480-C-G. GRCh37 (hg19) VCF-style: chr1-2160919-C-G.
Other names: short protein forms S238R.
Identifiers: ClinVar variation 4864529 (VCV004864529.1).

ClinVar aggregate classification (germline): Uncertain significance (1 of 4 stars; one submission).

Conditions:
Familial thoracic aortic aneurysm and aortic dissection (TAAD). Also called: Thoracic aortic aneurysms and dissections. Identifiers: Orphanet 91387, MedGen C4707243, MONDO:0019625.

Submission:

Ambry Genetics
Classification: Uncertain significance for Familial thoracic aortic aneurysm and aortic dissection. Last evaluated: 2026-03-23. Review status: criteria provided, single submitter. Criteria: Ambry Variant Classification Scheme 2023. Collection method: clinical testing. Allele origin: germline.
Comment: The p.S238R variant (also known as c.714C>G), located in coding exon 1 of the SKI gene, results from a C to G substitution at nucleotide position 714. The serine at codon 238 is replaced by arginine, an amino acid with dissimilar properties. This amino acid position is conserved. In addition, the in silico prediction for this alteration is inconclusive. Based on the available evidence, the clinical significance of this variant remains unclear.